The following is an entry in ClinVar:

ClinVar aggregate classification (germline): Uncertain significance. Review status: criteria provided, multiple submitters, no conflicts (2 of 4 stars). 2 submissions from 2 submitters: Uncertain significance (2). Last evaluated 2023-03-01.

Conditions:
Inborn genetic diseases. Identifiers: MedGen C0950123, MeSH D030342.

Allele frequency attached by ClinVar (database versions not stated): TOPMed 0.00006; gnomAD exomes 0.00012; ExAC 0.00013.

Submissions (2):

Ambry Genetics
Classification: Uncertain significance for Inborn genetic diseases. Last evaluated: 2023-03-01. Review status: criteria provided, single submitter. Criteria: Ambry Variant Classification Scheme 2023. Collection method: clinical testing. Allele origin: germline.

Labcorp Genetics (formerly Invitae), Labcorp
Classification: Uncertain significance. Last evaluated: 2022-10-25. Review status: criteria provided, single submitter. Criteria: Invitae Variant Classification Sherloc (09022015). Collection method: clinical testing. Allele origin: germline.
Comment: This variant has not been reported in the literature in individuals affected with RDH5-related conditions. ClinVar contains an entry for this variant (Variation ID: 1002535). Advanced modeling of protein sequence and biophysical properties (such as structural, functional, and spatial information, amino acid conservation, physicochemical variation, residue mobility, and thermodynamic stability) performed at Invitae indicates that this missense variant is expected to disrupt RDH5 protein function. In summary, the available evidence is currently insufficient to determine the role of this variant in disease. Therefore, it has been classified as a Variant of Uncertain Significance. This sequence change replaces alanine, which is neutral and non-polar, with threonine, which is neutral and polar, at codon 26 of the RDH5 protein (p.Ala26Thr). This variant is present in population databases (rs762299079, gnomAD 0.06%).

NM_002905.5(RDH5):c.76G>A (p.Ala26Thr)

Genes: RDH5 (retinol dehydrogenase 5; plus strand), BLOC1S1-RDH5 (BLOC1S1-RDH5 readthrough; plus strand). Cytogenetic location: 12q13.2.
Variant type: single nucleotide variant.
Coding change: c.76G>A on transcript NM_002905.5 (MANE Select); coding-DNA position 76, G replaced by A.
Protein change: p.Ala26Thr; replaces alanine 26 with threonine.
Molecular consequence: missense variant.
Genome position (GRCh38, 1-based): chr12:55,721,260, G>A. VCF-style: chr12-55721260-G-A. GRCh37 (hg19) VCF-style: chr12-56115044-G-A.
Other names: c.76G>A (NM_002905.3); c.76G>A, p.Ala26Thr (NM_001199771.3); short protein forms A26T.
Identifiers: ClinVar variation 1002535 (VCV001002535.9), dbSNP rs762299079, ClinGen allele CA6616739.
Genomic context (GRCh38, chr12:55,721,260, plus strand): 5'-CTGCTGGGTGCCTTACTCTGGGCAGTGCTGTGGTTGCTCAGGGACCGGCAGAGCCTGCCC[G>A]CCAGCAATGCCTTTGTCTTCATCACCGGCTGTGACTCAGGCTTTGGGCGCCTTCTGGCAC-3'
Protein context (NP_002896.2, residues 16-36): WLLRDRQSLP[Ala26Thr]SNAFVFITGC